The following is an entry in ClinVar:

ClinVar aggregate classification (germline): Uncertain significance (0 of 4 stars; one submission).

Conditions:
DGCR8-related disorder. Also called: DGCR8-related condition.

gnomAD v4.1: 78 of 1,611,514 alleles (0.0048%); highest among the groups gnomAD compares: Middle Eastern, 0.049%; no homozygotes.

Submission:

PreventionGenetics, part of Exact Sciences
Classification: Uncertain significance for DGCR8-related condition. Last evaluated: 2024-06-11. Review status: no assertion criteria provided. Collection method: clinical testing. Allele origin: germline.
Comment: The DGCR8 c.673G>A variant is predicted to result in the amino acid substitution p.Val225Ile. To our knowledge, this variant has not been reported in the literature. This variant is reported in 0.0018% of alleles in individuals of European (Non-Finnish) descent in gnomAD. This variant is absent in ClinVar. At this time, the clinical significance of this variant is uncertain due to the absence of conclusive functional and genetic evidence.

NM_022720.7(DGCR8):c.673G>A (p.Val225Ile)

Gene: DGCR8 (DGCR8 microprocessor complex subunit; plus strand). Cytogenetic location: 22q11.21.
Variant type: single nucleotide variant.
Coding change: c.673G>A on transcript NM_022720.7 (MANE Select); coding-DNA position 673, G replaced by A.
Protein change: p.Val225Ile; replaces valine 225 with isoleucine.
Molecular consequence: missense variant.
Genome position (GRCh38, 1-based): chr22:20,086,636, G>A. VCF-style: chr22-20086636-G-A. GRCh37 (hg19) VCF-style: chr22-20074159-G-A.
Other names: c.673G>A, p.Val225Ile (NM_001190326.2); short protein forms V225I.
Identifiers: ClinVar variation 3348885 (VCV003348885.1).